The following is an entry in ClinVar:

NM_000038.6(APC):c.7568C>T (p.Ala2523Val)

Gene: APC (APC regulator of Wnt signaling pathway; plus strand). Cytogenetic location: 5q22.2.
Variant type: single nucleotide variant.
Coding change: c.7568C>T on transcript NM_000038.6 (MANE Select); coding-DNA position 7568, C replaced by T.
Protein change: p.Ala2523Val; replaces alanine 2523 with valine.
Molecular consequence: missense variant. On other transcripts: non-coding transcript variant (2).
Genome position (GRCh38, 1-based): chr5:112,843,162, C>T. VCF-style: chr5-112843162-C-T. GRCh37 (hg19) VCF-style: chr5-112178859-C-T.
Other names: c.6416C>T, p.Ala2139Val (NM_001407472.1, NM_001407471.1); c.7265C>T, p.Ala2422Val (NM_001407460.1, NM_001354903.2, NM_001407458.1 and 1 more transcripts); c.7181C>T, p.Ala2394Val (NM_001407467.1, NM_001407469.1); c.6719C>T, p.Ala2240Val (NM_001407470.1, NM_001354906.2); c.7568C>T, p.Ala2523Val (NM_001127510.3, NM_001354895.2, NM_001407450.1); c.7514C>T, p.Ala2505Val (NM_001127511.3); c.7622C>T, p.Ala2541Val (NM_001354896.2, NM_001407447.1, NM_001407448.1 and 1 more transcripts); c.7598C>T, p.Ala2533Val (NM_001354897.2); and 11 more; short protein forms A2240V, A2422V, A2495V, A2440V, A2498V, A2513V, A2541V, A2139V.
Identifiers: ClinVar variation 5026178 (VCV005026178.1).

ClinVar aggregate classification (germline): Uncertain significance (1 of 4 stars; one submission).

Conditions:
Hereditary cancer-predisposing syndrome. Also called: Neoplastic Syndromes, Hereditary; Tumor predisposition; Hereditary neoplastic syndrome; Hereditary Cancer Syndrome. Identifiers: Orphanet 140162, MedGen C0027672, MeSH D009386, MONDO:0015356.

Submission:

Ambry Genetics
Classification: Uncertain significance for Hereditary cancer-predisposing syndrome. Last evaluated: 2026-09-10. Review status: criteria provided, single submitter. Criteria: Ambry Variant Classification Scheme 2023. Collection method: clinical testing. Allele origin: germline.
Comment: The p.A2523V variant (also known as c.7568C>T), located in coding exon 15 of the APC gene, results from a C to T substitution at nucleotide position 7568. The alanine at codon 2523 is replaced by valine, an amino acid with similar properties. This amino acid position is conserved. In addition, in silico predictors for this gene do not accurately predict pathogenicity. Based on the available evidence, the clinical significance of this variant remains unclear.